The following is an entry in ClinVar:

ClinVar aggregate classification (germline): Pathogenic (1 of 4 stars; one submission).

Submission:

Labcorp Genetics (formerly Invitae), Labcorp
Classification: Pathogenic. Last evaluated: 2023-01-28. Review status: criteria provided, single submitter. Criteria: Invitae Variant Classification Sherloc (09022015). Collection method: clinical testing. Allele origin: germline.
Comment: For these reasons, this variant has been classified as Pathogenic. Algorithms developed to predict the effect of sequence changes on RNA splicing suggest that this variant may disrupt the consensus splice site. ClinVar contains an entry for this variant (Variation ID: 1458875). This premature translational stop signal has been observed in individual(s) with lissencephaly (PMID: 17664403, 26494205). This variant is not present in population databases (gnomAD no frequency). This sequence change creates a premature translational stop signal (p.Trp219*) in the PAFAH1B1 gene. It is expected to result in an absent or disrupted protein product. Loss-of-function variants in PAFAH1B1 are known to be pathogenic (PMID: 1671808, 11115846, 14581661).

Literature cited by the submitters: PubMed 17664403; PubMed 26494205; PubMed 1671808; PubMed 11115846; PubMed 14581661.

NM_000430.4(PAFAH1B1):c.656G>A (p.Trp219Ter)

Gene: PAFAH1B1 (platelet activating factor acetylhydrolase 1b regulatory subunit 1; plus strand). Cytogenetic location: 17p13.3.
Variant type: single nucleotide variant.
Coding change: c.656G>A on transcript NM_000430.4 (MANE Select); coding-DNA position 656, G replaced by A.
Protein change: p.Trp219Ter; replaces tryptophan 219 with a stop codon.
Molecular consequence: nonsense.
Genome position (GRCh38, 1-based): chr17:2,672,742, G>A. VCF-style: chr17-2672742-G-A. GRCh37 (hg19) VCF-style: chr17-2576036-G-A.
Other names: short protein forms W219*.
Identifiers: ClinVar variation 1458875 (VCV001458875.8), dbSNP rs2151666445, ClinGen allele CA397641486.